The following is an entry in ClinVar:

NM_001012614.2(CTBP1):c.565G>T (p.Val189Leu)

Genes: CTBP1 (C-terminal binding protein 1; minus strand), CTBP1-AS (CTBP1 antisense RNA; plus strand). Cytogenetic location: 4p16.3.
Variant type: single nucleotide variant.
Coding change: c.565G>T on transcript NM_001012614.2 (MANE Select); coding-DNA position 565, G replaced by T.
Protein change: p.Val189Leu; replaces valine 189 with leucine.
Molecular consequence: missense variant. On other transcripts: non-coding transcript variant (1).
Genome position (GRCh38, 1-based): chr4:1,216,155, C>A on the plus strand (G>T on the coding strand, the complement: CTBP1 is on the minus strand). VCF-style: chr4-1216155-C-A. GRCh37 (hg19) VCF-style: chr4-1209943-C-A.
Other names: c.598G>T, p.Val200Leu (NM_001328.3, NM_001377186.1); c.565G>T, p.Val189Leu (NM_001377187.1, NM_001377188.1, NM_001377189.1 and 4 more transcripts); short protein forms V189L, V200L.
Identifiers: ClinVar variation 4535219 (VCV004535219.6).

ClinVar aggregate classification (germline): Uncertain significance (1 of 4 stars; one submission).

gnomAD v4.1: 3 of 1,610,890 alleles (0.00019%); highest among the groups gnomAD compares: African/African-American, 0.004%; no homozygotes.

Submission:

CeGaT Center for Human Genetics Tuebingen
Classification: Uncertain significance. Last evaluated: 2025-11-01. Review status: criteria provided, single submitter. Criteria: CeGaT Center For Human Genetics Tuebingen Variant Classification Criteria Version 2. Collection method: clinical testing. Allele origin: germline. Affected: yes. Observed: 1 variant allele.
Comment: CTBP1: PM2, PP3